The following is an entry in ClinVar:

ClinVar aggregate classification (germline): Uncertain significance (1 of 4 stars; one submission).

Submission:

Women's Health and Genetics/Laboratory Corporation of America, LabCorp
Classification: Uncertain significance. Last evaluated: 2025-11-24. Review status: criteria provided, single submitter. Criteria: LabCorp Variant Classification Summary - May 2015. Collection method: clinical testing. Allele origin: germline.
Comment: Variant summary: MYH7 c.2162G>A (p.Arg721Lys) results in a conservative amino acid change in the encoded protein sequence. Algorithms developed to predict the effect of missense changes on protein structure and function are either unavailable or do not agree on the potential impact of this missense change. Several computational tools predict a significant impact on normal splicing: One predict the variant abolishes a 5' splicing donor site. Three predict the variant weakens a 5' donor site. However, these predictions have yet to be confirmed by functional studies. The variant was absent in 251460 control chromosomes. c.2162G>A has been observed in two individual in one family affected with idiopathic restrictive cardiomyopathy (Rai_2009) and in another individual affected with familial restrictive cardiomyopathy but this individual also carries a missense variant in the ABCC9 gene (Neagoe_2019). These data indicate that the variant may be associated with disease. To our knowledge, no experimental evidence demonstrating an impact on protein function has been reported. The following publications have been ascertained in the context of this evaluation (PMID: 32309617, 31006259, 19449150). No submitters have cited clinical-significance assessments for this variant to ClinVar. Based on the evidence outlined above, the variant was classified as VUS-possibly pathogenic.

Literature cited by the submitters: PubMed 19449150; PubMed 31006259; PubMed 32309617.

NM_000257.4(MYH7):c.2162G>A (p.Arg721Lys)

Gene: MYH7 (myosin heavy chain 7; minus strand). Cytogenetic location: 14q11.2.
Variant type: single nucleotide variant.
Coding change: c.2162G>A on transcript NM_000257.4 (MANE Select); coding-DNA position 2162, G replaced by A.
Protein change: p.Arg721Lys; replaces arginine 721 with lysine.
Molecular consequence: missense variant.
Genome position (GRCh38, 1-based): chr14:23,425,964, C>T on the plus strand (G>A on the coding strand, the complement: MYH7 is on the minus strand). VCF-style: chr14-23425964-C-T. GRCh37 (hg19) VCF-style: chr14-23895173-C-T.
Other names: c.2162G>A, p.Arg721Lys (NM_001407004.1); short protein forms R721K.
Identifiers: ClinVar variation 4537250 (VCV004537250.1).